The following is an entry in ClinVar:

ClinVar aggregate classification (germline): Uncertain significance (1 of 4 stars; one submission).

gnomAD v4.1: 23 of 1,549,300 alleles (0.0015%); highest among the groups gnomAD compares: Non-Finnish European, 0.0018%; no homozygotes.

Submission:

GeneDx
Classification: Uncertain significance. Last evaluated: 2024-10-09. Review status: criteria provided, single submitter. Criteria: GeneDx Variant Classification Process June 2021. Collection method: clinical testing. Allele origin: germline. Affected: yes.
Comment: Not observed at significant frequency in large population cohorts (gnomAD); In silico analysis indicates that this missense variant does not alter protein structure/function; Has not been previously published as pathogenic or benign to our knowledge

NM_001164508.2(NEB):c.23999T>A (p.Leu8000His)

Genes: NEB (nebulin; minus strand), RIF1 (replication timing regulatory factor 1; plus strand). Cytogenetic location: 2q23.3.
Variant type: single nucleotide variant.
Coding change: c.23999T>A on transcript NM_001164508.2 (MANE Select); coding-DNA position 23999, T replaced by A.
Protein change: p.Leu8000His; replaces leucine 8000 with histidine.
Molecular consequence: missense variant. On other transcripts: intron variant (1).
Genome position (GRCh38, 1-based): chr2:151,501,413, A>T on the plus strand (T>A on the coding strand, the complement: NEB is on the minus strand). VCF-style: chr2-151501413-A-T. GRCh37 (hg19) VCF-style: chr2-152357927-A-T.
Other names: c.23999T>A, p.Leu8000His (NM_001164507.2); c.24104T>A, p.Leu8035His (NM_001271208.2); c.18825+1380T>A (NM_004543.5); short protein forms L8000H, L8035H.
Identifiers: ClinVar variation 3777452 (VCV003777452.1).